The following is an entry in ClinVar:

ClinVar aggregate classification (germline): Uncertain significance. Review status: criteria provided, multiple submitters, no conflicts (2 of 4 stars). 2 submissions from 2 submitters: Uncertain significance (2). Last evaluated 2023-02-06.

Conditions:
Brunner syndrome (BRNRS). Identifiers: Orphanet 3057, MedGen C0796275, MONDO:0010379, OMIM 300615.

Allele frequency attached by ClinVar (database versions not stated): ExAC 0.00001; gnomAD exomes 0.00001; TOPMed 0.00005.
gnomAD v4.1: 7 of 1,205,845 alleles (0.00058%); highest among the groups gnomAD compares: South Asian, 0.0035%; no homozygotes.

Submissions (2):

Labcorp Genetics (formerly Invitae), Labcorp
Classification: Uncertain significance for Brunner syndrome. Last evaluated: 2023-02-06. Review status: criteria provided, single submitter. Criteria: Invitae Variant Classification Sherloc (09022015). Collection method: clinical testing. Allele origin: germline.
Comment: This sequence change replaces alanine, which is neutral and non-polar, with threonine, which is neutral and polar, at codon 111 of the MAOA protein (p.Ala111Thr). This variant is present in population databases (rs755919316, gnomAD 0.005%). This variant has not been reported in the literature in individuals affected with MAOA-related conditions. ClinVar contains an entry for this variant (Variation ID: 977422). Algorithms developed to predict the effect of missense changes on protein structure and function output the following: SIFT: "Tolerated"; PolyPhen-2: "Benign"; Align-GVGD: "Class C0". The threonine amino acid residue is found in multiple mammalian species, which suggests that this missense change does not adversely affect protein function. In summary, the available evidence is currently insufficient to determine the role of this variant in disease. Therefore, it has been classified as a Variant of Uncertain Significance.

New York Genome Center
Classification: Uncertain significance for Brunner syndrome. Last evaluated: 2019-12-20. Review status: criteria provided, single submitter. Criteria: NYGC Assertion Criteria 2020. Collection method: clinical testing. Allele origin: inherited. Observed: 1 heterozygote. Study: CSER-NYCKidSeq.
Comment: The c.331G>A (p.Ala111Thr) variant substitutes a well conserved Alanine for Threonine at amino acid 111/528 (coding exon 4/15). This variant is found with low frequency in gnomAD (2 heterozygotes, 1 hemizygote; allele frequency: 1.09e-5) suggesting it is not a common benign variant in the populations represented in this database. In silico algorithms predict this variant to be Neutral (Provean; score: -1.31) and Tolerated (SIFT; score: 0.594) to the function of the canonical transcript. This variant is absent fromClinVar and to our current knowledge has not been reported in affected individuals in the literature.

NM_000240.4(MAOA):c.331G>A (p.Ala111Thr)

Gene: MAOA (monoamine oxidase A; plus strand). Cytogenetic location: Xp11.3.
Variant type: single nucleotide variant.
Coding change: c.331G>A on transcript NM_000240.4 (MANE Select); coding-DNA position 331, G replaced by A.
Protein change: p.Ala111Thr; replaces alanine 111 with threonine.
Molecular consequence: missense variant. On other transcripts: 5 prime UTR variant (1).
Genome position (GRCh38, 1-based): chrX:43,711,896, G>A. VCF-style: chrX-43711896-G-A. GRCh37 (hg19) VCF-style: chrX-43571143-G-A.
Other names: c.-69G>A (NM_001270458.2); short protein forms A111T.
Identifiers: ClinVar variation 977422 (VCV000977422.6), dbSNP rs755919316, ClinGen allele CA10390763.